The following is an entry in ClinVar:

ClinVar aggregate classification (germline): Uncertain significance. Review status: criteria provided, multiple submitters, no conflicts (2 of 4 stars). 2 submissions from 2 submitters: Uncertain significance (2). Last evaluated 2024-01-30.

Conditions:
Inborn genetic diseases. Identifiers: MedGen C0950123, MeSH D030342.
Immunodeficiency 23 (IMD23). Also called: IMMUNODEFICIENCY WITH HYPER IgE AND COGNITIVE IMPAIRMENT; IMMUNODEFICIENCY-VASCULITIS-MYOCLONUS SYNDROME. Identifiers: Orphanet 443811, MedGen C4014371, MONDO:0014353, OMIM 615816.

gnomAD v4.1: 3 of 1,604,906 alleles (0.00019%); highest among the groups gnomAD compares: Non-Finnish European, 0.00026%; no homozygotes.

Submissions (2):

Ambry Genetics
Classification: Uncertain significance for Inborn genetic diseases. Last evaluated: 2024-01-30. Review status: criteria provided, single submitter. Criteria: Ambry Variant Classification Scheme 2023. Collection method: clinical testing. Allele origin: germline.

Labcorp Genetics (formerly Invitae), Labcorp
Classification: Uncertain significance for Immunodeficiency 23. Last evaluated: 2019-03-07. Review status: criteria provided, single submitter. Criteria: Invitae Variant Classification Sherloc (09022015). Collection method: clinical testing. Allele origin: germline.
Comment: In summary, the available evidence is currently insufficient to determine the role of this variant in disease. Therefore, it has been classified as a Variant of Uncertain Significance. Algorithms developed to predict the effect of missense changes on protein structure and function output the following: SIFT: "Tolerated"; PolyPhen-2: "Benign"; Align-GVGD: "Class C0". The arginine amino acid residue is found in multiple mammalian species, suggesting that this missense change does not adversely affect protein function. These predictions have not been confirmed by published functional studies and their clinical significance is uncertain. This variant has not been reported in the literature in individuals with PGM3-related conditions. This variant is not present in population databases (ExAC no frequency). This sequence change replaces glutamine with arginine at codon 417 of the PGM3 protein (p.Gln417Arg). The glutamine residue is moderately conserved and there is a small physicochemical difference between glutamine and arginine.

NM_015599.3(PGM3):c.1166A>G (p.Gln389Arg)

Gene: PGM3 (phosphoglucomutase 3; minus strand). Cytogenetic location: 6q14.1.
Variant type: single nucleotide variant.
Coding change: c.1166A>G on transcript NM_015599.3 (MANE Select); coding-DNA position 1166, A replaced by G.
Protein change: p.Gln389Arg; replaces glutamine 389 with arginine.
Molecular consequence: missense variant. On other transcripts: non-coding transcript variant (1).
Genome position (GRCh38, 1-based): chr6:83,174,450, T>C on the plus strand (A>G on the coding strand, the complement: PGM3 is on the minus strand). VCF-style: chr6-83174450-T-C. GRCh37 (hg19) VCF-style: chr6-83884169-T-C.
Other names: c.1250A>G, p.Gln417Arg (NM_001199917.2, NM_001367287.1); c.923A>G, p.Gln308Arg (NM_001199918.2); c.1166A>G, p.Gln389Arg (NM_001199919.2, NM_001367286.1); short protein forms Q389R, Q417R, Q308R.
Identifiers: ClinVar variation 834332 (VCV000834332.10), dbSNP rs1787600940, ClinGen allele CA364879965.
Genomic context (GRCh38, chr6:83,174,450, plus strand): 5'-ATAATGTTTTCAAGCATCTTAGCAGCTTTTCTTTTCTTATCTTCCAGTTGTTCTGCTGAT[T>C]GTTTTATCTTCATTTCAACAGCTGTACTAAACAGTGCCTGCAGCAAAAGAATATAAAATC-3'
Protein context (NP_056414.1, residues 379-399): FSTAVEMKIK[Gln389Arg]SAEQLEDKKR